The following is an entry in ClinVar:

NM_000051.4(ATM):c.8035A>G (p.Asn2679Asp)

Genes: ATM (ATM serine/threonine kinase; plus strand), C11orf65 (chromosome 11 open reading frame 65; minus strand). Cytogenetic location: 11q22.3.
Variant type: single nucleotide variant.
Coding change: c.8035A>G on transcript NM_000051.4 (MANE Select); coding-DNA position 8035, A replaced by G.
Protein change: p.Asn2679Asp; replaces asparagine 2679 with aspartic acid.
Molecular consequence: missense variant. On other transcripts: intron variant (2).
Genome position (GRCh38, 1-based): chr11:108,334,993, A>G. VCF-style: chr11-108334993-A-G. GRCh37 (hg19) VCF-style: chr11-108205720-A-G.
Other names: c.8035A>G, p.Asn2679Asp (NM_001351834.2); c.641-25922T>C (NM_001330368.2); c.*38+227T>C (NM_001351110.2); short protein forms N2679D.
Identifiers: ClinVar variation 2003742 (VCV002003742.4), dbSNP rs2136654924, ClinGen allele CA382561887.

ClinVar aggregate classification (germline): Uncertain significance (1 of 4 stars; one submission).

Conditions:
Ataxia-telangiectasia syndrome (AT). Also called: Ataxia-telangiectasia, complementation group D; AT, COMPLEMENTATION GROUP C; ATAXIA-TELANGIECTASIA, COMPLEMENTATION GROUP A; ATAXIA-TELANGIECTASIA, FRESNO VARIANT; Ataxia-telangiectasia, complementation group E; LOUIS-BAR SYNDROME. Identifiers: Orphanet 100, MedGen C0004135, MONDO:0008840, OMIM 208900.

Submission:

Labcorp Genetics (formerly Invitae), Labcorp
Classification: Uncertain significance for Ataxia-telangiectasia syndrome. Last evaluated: 2024-04-16. Review status: criteria provided, single submitter. Criteria: Invitae Variant Classification Sherloc (09022015). Collection method: clinical testing. Allele origin: germline.
Comment: This sequence change replaces asparagine, which is neutral and polar, with aspartic acid, which is acidic and polar, at codon 2679 of the ATM protein (p.Asn2679Asp). This variant is not present in population databases (gnomAD no frequency). This variant has not been reported in the literature in individuals affected with ATM-related conditions. ClinVar contains an entry for this variant (Variation ID: 2003742). An algorithm developed to predict the effect of missense changes on protein structure and function (PolyPhen-2) suggests that this variant is likely to be tolerated. In summary, the available evidence is currently insufficient to determine the role of this variant in disease. Therefore, it has been classified as a Variant of Uncertain Significance.